The following is an entry in ClinVar:

ClinVar aggregate classification (germline): Uncertain significance (1 of 4 stars; one submission).

Submission:

Ambry Genetics
Classification: Uncertain significance. Last evaluated: 2025-09-07. Review status: criteria provided, single submitter. Criteria: Ambry Variant Classification Scheme 2023. Collection method: clinical testing. Allele origin: germline.
Comment: The p.M364K variant (also known as c.1091T>A), located in coding exon 10 of the GEN1 gene, results from a T to A substitution at nucleotide position 1091. The methionine at codon 364 is replaced by lysine, an amino acid with similar properties. This amino acid position is conserved. In addition, this alteration is predicted to be deleterious by in silico analysis. Based on the available evidence, the clinical significance of this variant remains unclear.

NM_001130009.3(GEN1):c.1091T>A (p.Met364Lys)

Gene: GEN1 (GEN1 Holliday junction 5' flap endonuclease; plus strand). Cytogenetic location: 2p24.2.
Variant type: single nucleotide variant.
Coding change: c.1091T>A on transcript NM_001130009.3 (MANE Select); coding-DNA position 1091, T replaced by A.
Protein change: p.Met364Lys; replaces methionine 364 with lysine.
Molecular consequence: missense variant.
Genome position (GRCh38, 1-based): chr2:17,774,290, T>A. VCF-style: chr2-17774290-T-A. GRCh37 (hg19) VCF-style: chr2-17955557-T-A.
Other names: c.1091T>A, p.Met364Lys (NM_182625.5); short protein forms M364K.
Identifiers: ClinVar variation 4263125 (VCV004263125.1).
Genomic context (GRCh38, chr2:17,774,290, plus strand): 5'-AGAGATAACAAAATCTTGTTTTATTTTTATTATATTTATAGAGATTTACTCTTGAAAAAA[T>A]GGAGTGGCCCAATCACTATGCATGTGAGAAATTGCTGGTACTTTTGACCCATTATGACAT-3'
Protein context (NP_001123481.3, residues 354-374): LLFQRFTLEK[Met364Lys]EWPNHYACEK